The following is an entry in ClinVar:

GRCh38/hg38 22q12.3-13.1(chr22:37124249-37580757)x3

Genes: C1QTNF6 (C1q and TNF related 6; minus strand), CARD10 (caspase recruitment domain family member 10; minus strand), CDC42EP1 (CDC42 effector protein 1; plus strand), CYTH4 (cytohesin 4; plus strand), ELFN2 (extracellular leucine rich repeat and fibronectin type III domain containing 2; minus strand) and 49 more. Cytogenetic location: 22q12.3-13.1.
Variant type: copy number gain.
Change: copy number 3 (three copies instead of two) of chr22:37,124,249-37,580,757 (456.5 kb, GRCh38 coordinates, 1-based), cytogenetic band 22q12.3-13.1.
Identifiers: ClinVar variation 57423 (VCV000057423.1).

ClinVar aggregate classification (germline): Uncertain significance (1 of 4 stars; one submission).

Submission:

ISCA site 4
Classification: Uncertain significance. Last evaluated: 2011-08-12. Review status: criteria provided, single submitter. Criteria: Kaminsky et al. (Genet Med. 2011). Collection method: clinical testing. Allele origin: unknown. Affected: yes. Observed: 1 variant allele.
Comment: Copy number variation identified through the course of routine clinical cytogenomic testing in postnatal populations. Clinical assertions have been curated as described in Kaminsky et al. 2011.